The following is an entry in ClinVar:

ClinVar aggregate classification (germline): Uncertain significance. Review status: criteria provided, multiple submitters, no conflicts (2 of 4 stars). 4 submissions from 4 submitters: Uncertain significance (4). Last evaluated 2026-02-19.

Conditions:
TRPM1-related disorder. Also called: TRPM1-related condition.
Inborn genetic diseases. Identifiers: MedGen C0950123, MeSH D030342.

Allele frequency attached by ClinVar (database versions not stated): gnomAD 0.00006; TOPMed 0.00006; gnomAD exomes 0.00007 and 0.00012; ExAC 0.00012; ESP Exome Variant Server 0.00025.
gnomAD v4.1: 121 of 1,613,920 alleles (0.0075%); highest among the groups gnomAD compares: Middle Eastern, 0.033%; no homozygotes.

Submissions (4):

PreventionGenetics, part of Exact Sciences
Classification: Uncertain significance for TRPM1-related condition. Last evaluated: 2026-02-19. Review status: criteria provided, single submitter. Criteria: ACMG Guidelines, 2015. Collection method: clinical testing. Allele origin: germline.
Comment: The TRPM1 c.1375C>A variant is predicted to result in the amino acid substitution p.Pro459Thr. To our knowledge, this variant has not been reported in the literature. This variant is reported in 0.036% of alleles in individuals of South Asian descent in gnomAD. At this time, the clinical significance of this variant is uncertain due to the absence of conclusive functional and genetic evidence.

Labcorp Genetics (formerly Invitae), Labcorp
Classification: Uncertain significance. Last evaluated: 2025-11-18. Review status: criteria provided, single submitter. Criteria: Invitae Variant Classification Sherloc (09022015). Collection method: clinical testing. Allele origin: germline.
Comment: This sequence change replaces proline, which is neutral and non-polar, with threonine, which is neutral and polar, at codon 420 of the TRPM1 protein (p.Pro420Thr). This variant is present in population databases (rs373102819, gnomAD 0.04%). This variant has not been reported in the literature in individuals affected with TRPM1-related conditions. ClinVar contains an entry for this variant (Variation ID: 967354). Invitae Evidence Modeling of protein sequence and biophysical properties (such as structural, functional, and spatial information, amino acid conservation, physicochemical variation, residue mobility, and thermodynamic stability) indicates that this missense variant is not expected to disrupt TRPM1 protein function with a negative predictive value of 95%. In summary, the available evidence is currently insufficient to determine the role of this variant in disease. Therefore, it has been classified as a Variant of Uncertain Significance.

Blueprint Genetics
Classification: Uncertain significance. Last evaluated: 2024-10-23. Review status: criteria provided, single submitter. Criteria: ACMG Guidelines, 2015. Collection method: clinical testing. Allele origin: germline.

Ambry Genetics
Classification: Uncertain significance for Inborn genetic diseases. Last evaluated: 2021-07-09. Review status: criteria provided, single submitter. Criteria: Ambry Variant Classification Scheme 2023. Collection method: clinical testing. Allele origin: germline.

NM_001252024.2(TRPM1):c.1324C>A (p.Pro442Thr)

Gene: TRPM1 (transient receptor potential cation channel subfamily M member 1; minus strand). Cytogenetic location: 15q13.3.
Variant type: single nucleotide variant.
Coding change: c.1324C>A on transcript NM_001252024.2 (MANE Select); coding-DNA position 1324, C replaced by A.
Protein change: p.Pro442Thr; replaces proline 442 with threonine.
Molecular consequence: missense variant.
Genome position (GRCh38, 1-based): chr15:31,050,522, G>T on the plus strand (C>A on the coding strand, the complement: TRPM1 is on the minus strand). VCF-style: chr15-31050522-G-T. GRCh37 (hg19) VCF-style: chr15-31342725-G-T.
Other names: c.1258C>A (NM_002420.4); c.1375C>A (NM_001252020.1); c.1375C>A, p.Pro459Thr (NM_001252020.2); c.1258C>A, p.Pro420Thr (NM_002420.6); short protein forms P459T, P442T, P420T.
Identifiers: ClinVar variation 967354 (VCV000967354.10), dbSNP rs373102819, ClinGen allele CA7452597.